The following is an entry in ClinVar:

NM_001323289.2(CDKL5):c.74G>T (p.Gly25Val)

Gene: CDKL5 (cyclin dependent kinase like 5; plus strand). Cytogenetic location: Xp22.13.
Variant type: single nucleotide variant.
Coding change: c.74G>T on transcript NM_001323289.2 (MANE Select); coding-DNA position 74, G replaced by T.
Protein change: p.Gly25Val; replaces glycine 25 with valine.
Molecular consequence: missense variant.
Genome position (GRCh38, 1-based): chrX:18,510,829, G>T. VCF-style: chrX-18510829-G-T. GRCh37 (hg19) VCF-style: chrX-18528949-G-T.
Other names: c.74G>T, p.Gly25Val (NM_001037343.2, NM_003159.3); short protein forms G25V.
Identifiers: ClinVar variation 2942811 (VCV002942811.3), dbSNP rs2518781124, ClinGen allele CA412489808.

ClinVar aggregate classification (germline): Pathogenic (1 of 4 stars; one submission).

Conditions:
Developmental and epileptic encephalopathy, 2 (DEE2). Also called: INFANTILE SPASM SYNDROME, X-LINKED 2; CDKL5 deficiency disorder. Identifiers: Orphanet 1934, Orphanet 3451, Orphanet 505652, MedGen C4750718, MONDO:0010396, OMIM 300672.
Angelman syndrome-like. Identifiers: MedGen CN128785.

Submission:

Labcorp Genetics (formerly Invitae), Labcorp
Classification: Pathogenic for Developmental and epileptic encephalopathy, 2; Angelman syndrome-like. Last evaluated: 2023-02-06. Review status: criteria provided, single submitter. Criteria: Invitae Variant Classification Sherloc (09022015). Collection method: clinical testing. Allele origin: germline.
Comment: This sequence change replaces glycine, which is neutral and non-polar, with valine, which is neutral and non-polar, at codon 25 of the CDKL5 protein (p.Gly25Val). This variant is not present in population databases (gnomAD no frequency). This missense change has been observed in individual(s) with clinical features of CDKL5-related conditions (Invitae). In at least one individual the variant was observed to be de novo. Advanced modeling of protein sequence and biophysical properties (such as structural, functional, and spatial information, amino acid conservation, physicochemical variation, residue mobility, and thermodynamic stability) performed at Invitae indicates that this missense variant is expected to disrupt CDKL5 protein function. Algorithms developed to predict the effect of sequence changes on RNA splicing suggest that this variant may disrupt the consensus splice site. For these reasons, this variant has been classified as Pathogenic.